The following is an entry in ClinVar:

NM_000138.5(FBN1):c.8543A>G (p.Lys2848Arg)

Gene: FBN1 (fibrillin 1; minus strand). Cytogenetic location: 15q21.1.
Variant type: single nucleotide variant.
Coding change: c.8543A>G on transcript NM_000138.5 (MANE Select); coding-DNA position 8543, A replaced by G.
Protein change: p.Lys2848Arg; replaces lysine 2848 with arginine.
Molecular consequence: missense variant.
Genome position (GRCh38, 1-based): chr15:48,411,063, T>C on the plus strand (A>G on the coding strand, the complement: FBN1 is on the minus strand). VCF-style: chr15-48411063-T-C. GRCh37 (hg19) VCF-style: chr15-48703260-T-C.
Other names: short protein forms K2848R.
Identifiers: ClinVar variation 965285 (VCV000965285.10), dbSNP rs765839151, ClinGen allele CA392318593.

ClinVar aggregate classification (germline): Conflicting classifications of pathogenicity. Review status: criteria provided, conflicting classifications (1 of 4 stars). 4 submissions from 4 submitters: Uncertain significance (3); Likely benign (1). Last evaluated 2025-06-17.

Conditions:
Marfan syndrome (MFS). Also called: FBN1-Related Marfan Syndrome; MARFAN SYNDROME, TYPE I; Marfan syndrome type 1; Marfan's syndrome; Marfan syndrome, classic. Identifiers: Orphanet 284963, Orphanet 558, MedGen C0024796, MONDO:0007947, OMIM 154700.
Familial thoracic aortic aneurysm and aortic dissection (TAAD). Also called: Thoracic aortic aneurysms and dissections. Identifiers: Orphanet 91387, MedGen C4707243, MONDO:0019625.

Allele frequency attached by ClinVar (database versions not stated): TOPMed below 0.00001.
gnomAD v4.1: 1 of 1,613,966 alleles (0.000062%); highest among the groups gnomAD compares: Non-Finnish European, 0.000085%; no homozygotes.

Submissions (4):

Color Diagnostics, LLC DBA Color Health
Classification: Likely benign for Familial thoracic aortic aneurysm and aortic dissection. Last evaluated: 2025-06-17. Review status: criteria provided, single submitter. Criteria: ACMG Guidelines, 2015. Collection method: clinical testing. Allele origin: germline.

Labcorp Genetics (formerly Invitae), Labcorp
Classification: Uncertain significance for Marfan syndrome; Familial thoracic aortic aneurysm and aortic dissection. Last evaluated: 2021-09-02. Review status: criteria provided, single submitter. Criteria: Invitae Variant Classification Sherloc (09022015). Collection method: clinical testing. Allele origin: germline.
Comment: This sequence change replaces lysine with arginine at codon 2848 of the FBN1 protein (p.Lys2848Arg). The lysine residue is moderately conserved and there is a small physicochemical difference between lysine and arginine. This variant is not present in population databases (ExAC no frequency). This variant has not been reported in the literature in individuals affected with FBN1-related conditions. Algorithms developed to predict the effect of missense changes on protein structure and function output the following: SIFT: "Tolerated"; PolyPhen-2: "Benign"; Align-GVGD: "Class C0". The arginine amino acid residue is found in multiple mammalian species, which suggests that this missense change does not adversely affect protein function. In summary, the available evidence is currently insufficient to determine the role of this variant in disease. Therefore, it has been classified as a Variant of Uncertain Significance.

Women's Health and Genetics/Laboratory Corporation of America, LabCorp
Classification: Uncertain significance. Last evaluated: 2021-01-07. Review status: criteria provided, single submitter. Criteria: LabCorp Variant Classification Summary - May 2015. Collection method: clinical testing. Allele origin: germline.
Comment: Variant summary: FBN1 c.8543A>G (p.Lys2848Arg) results in a conservative amino acid change in the encoded protein sequence. Five of five in-silico tools predict a benign effect of the variant on protein function. The variant was absent in 251164 control chromosomes (gnomAD). The available data on variant occurrences in the general population are insufficient to allow any conclusion about variant significance. To our knowledge, no occurrence of c.8543A>G in individuals affected with Marfan Syndrome and no experimental evidence demonstrating its impact on protein function have been reported. One ClinVar submitter (evaluation after 2014) cites the variant as uncertain significance. Based on the evidence outlined above, the variant was classified as uncertain significance.

Revvity Omics, Revvity
Classification: Uncertain significance. Last evaluated: 2020-09-22. Review status: criteria provided, single submitter. Criteria: ACMG Guidelines, 2015. Collection method: clinical testing. Allele origin: germline.